The following is an entry in ClinVar:

ClinVar aggregate classification (germline): Likely benign (0 of 4 stars; one submission).

Conditions:
NCOA1-related disorder. Also called: NCOA1-related condition.

gnomAD v4.1: 90 of 1,611,020 alleles (0.0056%); highest among the groups gnomAD compares: Non-Finnish European, 0.007%; no homozygotes.

Submission:

PreventionGenetics, part of Exact Sciences
Classification: Likely benign for NCOA1-related condition. Last evaluated: 2024-03-25. Review status: no assertion criteria provided. Collection method: clinical testing. Allele origin: germline.
Comment: This variant is classified as likely benign based on ACMG/AMP sequence variant interpretation guidelines (Richards et al. 2015 PMID: 25741868, with internal and published modifications).

NM_003743.5(NCOA1):c.2685A>G (p.Thr895=)

Gene: NCOA1 (nuclear receptor coactivator 1; plus strand). Cytogenetic location: 2p23.3.
Variant type: single nucleotide variant.
Coding change: c.2685A>G on transcript NM_003743.5 (MANE Select); coding-DNA position 2685, A replaced by G.
Protein change: p.Thr895=; no amino-acid change (threonine 895 retained).
Molecular consequence: synonymous variant.
Genome position (GRCh38, 1-based): chr2:24,726,674, A>G. VCF-style: chr2-24726674-A-G. GRCh37 (hg19) VCF-style: chr2-24949543-A-G.
Other names: c.2685A>G, p.Thr895= (NM_001362950.1, NM_001362952.1, NM_001362954.1 and 3 more transcripts).
Identifiers: ClinVar variation 3345583 (VCV003345583.1).